The following is an entry in ClinVar:

NM_138694.4(PKHD1):c.2912G>T (p.Cys971Phe)

Gene: PKHD1 (PKHD1 ciliary IPT domain containing fibrocystin/polyductin; minus strand). Cytogenetic location: 6p12.2.
Variant type: single nucleotide variant.
Coding change: c.2912G>T on transcript NM_138694.4 (MANE Select); coding-DNA position 2912, G replaced by T.
Protein change: p.Cys971Phe; replaces cysteine 971 with phenylalanine.
Molecular consequence: missense variant.
Genome position (GRCh38, 1-based): chr6:52,043,044, C>A on the plus strand (G>T on the coding strand, the complement: PKHD1 is on the minus strand). VCF-style: chr6-52043044-C-A. GRCh37 (hg19) VCF-style: chr6-51907842-C-A.
Other names: c.2912G>T, p.Cys971Phe (NM_170724.3); short protein forms C971F.
Identifiers: ClinVar variation 4292954 (VCV004292954.1).

ClinVar aggregate classification (germline): Uncertain significance (1 of 4 stars; one submission).

Conditions:
Polycystic kidney disease 4 (PKD4). Also called: POLYCYSTIC KIDNEY AND HEPATIC DISEASE 1; POLYCYSTIC KIDNEY DISEASE, INFANTILE, TYPE I; POLYCYSTIC KIDNEY DISEASE 4 WITH OR WITHOUT POLYCYSTIC LIVER DISEASE; PKD3; Autosomal Recessive Polycystic Kidney Disease – PKHD1. Identifiers: MedGen C4540575, MONDO:0033004, OMIM 263200.

Submission:

3billion
Classification: Uncertain significance for Polycystic kidney disease 4. Last evaluated: 2024-11-05. Review status: criteria provided, single submitter. Criteria: ACMG Guidelines, 2015. Collection method: clinical testing. Allele origin: germline. Affected: yes.
Comment: The variant is not observed in the gnomAD v4.1.0 dataset. Predicted Consequence/Location: Missense variant. The majority of the known disease-causing variants of this gene are variants expected to result in premature termination of the protein. In silico tool predictions suggest damaging effect of the variant on gene or gene product [REVEL: 0.64 (>=0.6, sensitivity 0.68 and specificity 0.92); 3Cnet: 0.99 (>=0.6, sensitivity 0.72 and precision 0.9)]. Therefore, this variant is classified as VUS according to the recommendation of ACMG/AMP guideline.